The following is an entry in ClinVar:

NM_001114753.3(ENG):c.239T>C (p.Leu80Pro)

Gene: ENG (endoglin; minus strand). Cytogenetic location: 9q34.11.
Variant type: single nucleotide variant.
Coding change: c.239T>C on transcript NM_001114753.3 (MANE Select); coding-DNA position 239, T replaced by C.
Protein change: p.Leu80Pro; replaces leucine 80 with proline.
Molecular consequence: missense variant. On other transcripts: 5 prime UTR variant (1).
Genome position (GRCh38, 1-based): chr9:127,829,808, A>G on the plus strand (T>C on the coding strand, the complement: ENG is on the minus strand). VCF-style: chr9-127829808-A-G. GRCh37 (hg19) VCF-style: chr9-130592087-A-G.
Other names: c.239T>C, p.Leu80Pro (NM_000118.4, NM_001406715.1); c.-308T>C (NM_001278138.2); short protein forms L80P.
Identifiers: ClinVar variation 982472 (VCV000982472.3), dbSNP rs1830718809, ClinGen allele CA374986376.
Genomic context (GRCh38, chr9:127,829,808, plus strand): 5'-CTGAGGACCAGAAGCACCTCTCGGGGCCAGGTGCCATTTTGCTTGGATGCCTGGAGAGTC[A>G]GCTCCAGCTGTGACGGGCCCTGGGGGACACAGAGGAGAGACACACACAGTCCAGTCAGAT-3'
Protein context (NP_001108225.1, residues 70-90): EFPTGPSQLE[Leu80Pro]TLQASKQNGT

ClinVar aggregate classification (germline): Uncertain significance (1 of 4 stars; one submission).

Conditions:
Telangiectasia, hereditary hemorrhagic, type 1 (HHT1). Also called: Osler Weber Rendu syndrome type 1; ENG-Related Hereditary Hemorrhagic Telangiectasia. Identifiers: Orphanet 774, MedGen C4551861, MONDO:0008535, OMIM 187300. Disease mechanism: loss of function.

Submission:

NIHR Bioresource Rare Diseases, University of Cambridge
Classification: Uncertain significance for Telangiectasia, hereditary hemorrhagic, type 1. Last evaluated: 2018-01-01. Review status: criteria provided, single submitter. Criteria: ACMG Guidelines, 2015. Collection method: research. Allele origin: unknown. Affected: yes. Observed: 1 variant allele.
Comment: PM2+PP4+PP3

Literature cited by the submitters: PubMed 32573726.